The following is an entry in ClinVar:

NM_000246.4(CIITA):c.326C>G (p.Ser109Cys)

Gene: CIITA (class II major histocompatibility complex transactivator; plus strand). Cytogenetic location: 16p13.13.
Variant type: single nucleotide variant.
Coding change: c.326C>G on transcript NM_000246.4 (MANE Select); coding-DNA position 326, C replaced by G.
Protein change: p.Ser109Cys; replaces serine 109 with cysteine.
Molecular consequence: missense variant. On other transcripts: non-coding transcript variant (1).
Genome position (GRCh38, 1-based): chr16:10,898,700, C>G. VCF-style: chr16-10898700-C-G. GRCh37 (hg19) VCF-style: chr16-10992557-C-G.
Other names: c.326C>G, p.Ser109Cys (NM_001286402.1, NM_001286403.2, NM_001379330.1 and 3 more transcripts); c.254C>G, p.Ser85Cys (NM_001379334.1); short protein forms S109C, S85C.
Identifiers: ClinVar variation 971312 (VCV000971312.8), dbSNP rs375019139, ClinGen allele CA7899666.
Genomic context (GRCh38, chr16:10,898,700, plus strand): 5'-GATTGACTGCGCTTTTCCTTGTCTGGGCAGCGGAACTGGACCAGTATGTCTTCCAGGACT[C>G]CCAGCTGGAGGGCCTGAGCAAGGACATTTTCAGTAAGTTTGTGGTGGGTGGGGAGGTCTT-3'
Protein context (NP_000237.2, residues 99-119): AELDQYVFQD[Ser109Cys]QLEGLSKDIF

ClinVar aggregate classification (germline): Uncertain significance. Review status: criteria provided, single submitter (1 of 4 stars). 2 submissions from 2 submitters: Uncertain significance (1). 1 of the submissions does not count toward it. Last evaluated 2026-01-26.

Conditions:
MHC class II deficiency. Also called: Bare lymphocyte syndrome 2; BLS, TYPE II. Identifiers: Orphanet 572, MedGen C5447452, MONDO:0008855.

Allele frequency attached by ClinVar (database versions not stated): gnomAD 0.00004 and 0.00005; gnomAD exomes 0.00005 and 0.00008; TOPMed 0.00006; ExAC 0.00008; ESP Exome Variant Server 0.00008; 1000 Genomes Project 30x 0.00016; 1000 Genomes Project 0.00020.
gnomAD v4.1: 120 of 1,611,778 alleles (0.0074%); highest among the groups gnomAD compares: Non-Finnish European, 0.0099%; no homozygotes.

Submissions (2):

Labcorp Genetics (formerly Invitae), Labcorp
Classification: Uncertain significance for MHC class II deficiency. Last evaluated: 2026-01-26. Review status: criteria provided, single submitter. Criteria: Invitae Variant Classification Sherloc (09022015). Collection method: clinical testing. Allele origin: germline.
Comment: This sequence change replaces serine, which is neutral and polar, with cysteine, which is neutral and slightly polar, at codon 109 of the CIITA protein (p.Ser109Cys). This variant is present in population databases (rs375019139, gnomAD 0.01%). This variant has not been reported in the literature in individuals affected with CIITA-related conditions. ClinVar contains an entry for this variant (Variation ID: 971312). An algorithm developed to predict the effect of missense changes on protein structure and function (PolyPhen-2) suggests that this variant is likely to be disruptive. In summary, the available evidence is currently insufficient to determine the role of this variant in disease. Therefore, it has been classified as a Variant of Uncertain Significance.

Natera, Inc.
Classification: Uncertain significance for Bare lymphocyte syndrome type II. Last evaluated: 2020-01-27. Review status: no assertion criteria provided. Collection method: clinical testing. Allele origin: germline. Not counted in ClinVar's aggregate classification.